The following is an entry in ClinVar:

ClinVar aggregate classification (germline): Uncertain significance (1 of 4 stars; one submission).

Submission:

Labcorp Genetics (formerly Invitae), Labcorp
Classification: Uncertain significance. Last evaluated: 2022-10-04. Review status: criteria provided, single submitter. Criteria: Invitae Variant Classification Sherloc (09022015). Collection method: clinical testing. Allele origin: germline.
Comment: In summary, the available evidence is currently insufficient to determine the role of this variant in disease. Therefore, it has been classified as a Variant of Uncertain Significance. This variant is not present in population databases (gnomAD no frequency). This sequence change replaces proline, which is neutral and non-polar, with serine, which is neutral and polar, at codon 1929 of the HUWE1 protein (p.Pro1929Ser). This variant has not been reported in the literature in individuals affected with HUWE1-related conditions. Advanced modeling of protein sequence and biophysical properties (such as structural, functional, and spatial information, amino acid conservation, physicochemical variation, residue mobility, and thermodynamic stability) has been performed at Invitae for this missense variant, however the output from this modeling did not meet the statistical confidence thresholds required to predict the impact of this variant on HUWE1 protein function.

NM_031407.7(HUWE1):c.5785C>T (p.Pro1929Ser)

Gene: HUWE1 (HECT, UBA and WWE domain containing E3 ubiquitin protein ligase 1; minus strand). Cytogenetic location: Xp11.22.
Variant type: single nucleotide variant.
Coding change: c.5785C>T on transcript NM_031407.7 (MANE Select); coding-DNA position 5785, C replaced by T.
Protein change: p.Pro1929Ser; replaces proline 1929 with serine.
Molecular consequence: missense variant.
Genome position (GRCh38, 1-based): chrX:53,576,999, G>A on the plus strand (C>T on the coding strand, the complement: HUWE1 is on the minus strand). VCF-style: chrX-53576999-G-A. GRCh37 (hg19) VCF-style: chrX-53603959-G-A.
Other names: short protein forms P1929S.
Identifiers: ClinVar variation 1719313 (VCV001719313.5), dbSNP rs2524890103, ClinGen allele CA413172327.
Genomic context (GRCh38, chrX:53,576,999, plus strand): 5'-TATCATAGATCACTTCCTTGATAGTATCAGGGATGACAGGCAGAGGTGAGGGCTTCAAAG[G>A]GGTGGTCTTCACCAGCTGTACAGCATTAGGGCCTTTAATTCTAAGATTCTCAAATTCATC-3'
Protein context (NP_113584.3, residues 1919-1939): PNAVQLVKTT[Pro1929Ser]LKPSPLPVIP